The following is an entry in ClinVar:

NM_032634.4(PIGO):c.2054_2055delinsTT (p.Arg685Leu)

Gene: PIGO (phosphatidylinositol glycan anchor biosynthesis class O; minus strand). Cytogenetic location: 9p13.3.
Variant type: Indel.
Coding change: c.2054_2055delinsTT on transcript NM_032634.4 (MANE Select); coding-DNA positions 2054 to 2055, GC replaced by TT.
Protein change: p.Arg685Leu; replaces arginine 685 with leucine.
Molecular consequence: missense variant. On other transcripts: intron variant (2).
Genome position (GRCh38, 1-based): chr9:35,091,832-35,091,833, GC replaced by AA on the plus strand (GC replaced by TT on the coding strand, the reverse complement: PIGO is on the minus strand). VCF-style: chr9-35091832-GC-AA. GRCh37 (hg19) VCF-style: chr9-35091829-GC-AA.
Other names: c.1345-542_1345-541delinsTT (NM_152850.4, NM_001201484.2); short protein forms R685L.
Identifiers: ClinVar variation 1003819 (VCV001003819.8), dbSNP rs1829436323, ClinGen allele CA1845870434.

ClinVar aggregate classification (germline): Uncertain significance (1 of 4 stars; one submission).

Conditions:
Hyperphosphatasia with impaired intellectual development syndrome 2. Also called: Hyperphosphatasia with intellectual disability syndrome 2; GLYCOSYLPHOSPHATIDYLINOSITOL BIOSYNTHESIS DEFECT 6. Identifiers: Orphanet 247262, MedGen C3553637, MONDO:0013882, OMIM 614749.

Submission:

Labcorp Genetics (formerly Invitae), Labcorp
Classification: Uncertain significance for Hyperphosphatasia with impaired intellectual development syndrome 2. Last evaluated: 2022-07-26. Review status: criteria provided, single submitter. Criteria: Invitae Variant Classification Sherloc (09022015). Collection method: clinical testing. Allele origin: germline.
Comment: In summary, the available evidence is currently insufficient to determine the role of this variant in disease. Therefore, it has been classified as a Variant of Uncertain Significance. Algorithms developed to predict the effect of missense changes on protein structure and function are either unavailable or do not agree on the potential impact of this missense change (SIFT: "Not Available"; PolyPhen-2: "Probably Damaging"; Align-GVGD: "Not Available"). ClinVar contains an entry for this variant (Variation ID: 1003819). This variant has not been reported in the literature in individuals affected with PIGO-related conditions. The frequency data for this variant in the population databases is considered unreliable, as metrics indicate poor data quality at this position in the gnomAD database. This sequence change replaces arginine, which is basic and polar, with leucine, which is neutral and non-polar, at codon 685 of the PIGO protein (p.Arg685Leu).